The following is an entry in ClinVar:

NM_000492.4(CFTR):c.2836A>G (p.Lys946Glu)

Gene: CFTR (CF transmembrane conductance regulator; plus strand). Cytogenetic location: 7q31.2.
Variant type: single nucleotide variant.
Coding change: c.2836A>G on transcript NM_000492.4 (MANE Select); coding-DNA position 2836, A replaced by G.
Protein change: p.Lys946Glu; replaces lysine 946 with glutamic acid.
Molecular consequence: missense variant.
Genome position (GRCh38, 1-based): chr7:117,603,710, A>G. VCF-style: chr7-117603710-A-G. GRCh37 (hg19) VCF-style: chr7-117243764-A-G.
Other names: short protein forms K946E.
Identifiers: ClinVar variation 655882 (VCV000655882.10), dbSNP rs397508443, ClinGen allele CA368987156.

ClinVar aggregate classification (germline): Uncertain significance. Review status: criteria provided, multiple submitters, no conflicts (2 of 4 stars). 4 submissions from 4 submitters: Uncertain significance (3). 1 of the submissions does not count toward it. Last evaluated 2021-09-05.

Conditions:
Cystic fibrosis (CF). Also called: MUCOVISCIDOSIS. Identifiers: Orphanet 586, MedGen C0010674, MONDO:0009061, OMIM 219700. Disease mechanism: loss of function.
CFTR-related disorder (CFTR-RD). Also called: CFTR-related condition; CFTR-related disorders. Identifiers: MedGen C5924204, MONDO:7770004.

Allele frequency attached by ClinVar (database versions not stated): gnomAD 0.00001; TOPMed below 0.00001.
gnomAD v4.1: 2 of 1,613,966 alleles (0.00012%); highest among the groups gnomAD compares: African/African-American, 0.0027%; no homozygotes.

Submissions (4):

Genome-Nilou Lab
Classification: Uncertain significance for Cystic fibrosis. Last evaluated: 2021-09-05. Review status: criteria provided, single submitter. Criteria: ACMG Guidelines, 2015. Collection method: clinical testing. Allele origin: germline. Affected: no.

Labcorp Genetics (formerly Invitae), Labcorp
Classification: Uncertain significance for Cystic fibrosis. Last evaluated: 2021-08-31. Review status: criteria provided, single submitter. Criteria: Invitae Variant Classification Sherloc (09022015). Collection method: clinical testing. Allele origin: germline.
Comment: This sequence change replaces lysine with glutamic acid at codon 946 of the CFTR protein (p.Lys946Glu). The lysine residue is moderately conserved and there is a small physicochemical difference between lysine and glutamic acid. This variant is not present in population databases (ExAC no frequency). This variant has not been reported in the literature in individuals affected with CFTR-related conditions. Algorithms developed to predict the effect of missense changes on protein structure and function (SIFT, PolyPhen-2, Align-GVGD) all suggest that this variant is likely to be tolerated. In summary, the available evidence is currently insufficient to determine the role of this variant in disease. Therefore, it has been classified as a Variant of Uncertain Significance.

Women's Health and Genetics/Laboratory Corporation of America, LabCorp
Classification: Uncertain significance. Last evaluated: 2019-06-20. Review status: criteria provided, single submitter. Criteria: LabCorp Variant Classification Summary - May 2015. Collection method: clinical testing. Allele origin: germline.
Comment: Variant summary: CFTR c.2836A>G (p.Lys946Glu) results in a conservative amino acid change located in the ABC transporter type 1, transmembrane domain (IPR011527) of the encoded protein sequence. Three of five in-silico tools predict a damaging effect of the variant on protein function. The variant was absent in 251394 control chromosomes (gnomAD). The available data on variant occurrences in the general population are insufficient to allow any conclusion about variant significance. To our knowledge, no occurrence of c.2836A>G in individuals affected with Cystic Fibrosis and no experimental evidence demonstrating its impact on protein function have been reported. No clinical diagnostic laboratories have submitted clinical-significance assessments for this variant to ClinVar after 2014. Based on the evidence outlined above, the variant was classified as uncertain significance.

Natera, Inc.
Classification: Uncertain significance for CFTR-related disorders. Last evaluated: 2019-02-11. Review status: no assertion criteria provided. Collection method: clinical testing. Allele origin: germline. Not counted in ClinVar's aggregate classification.